The following is an entry in ClinVar:

NM_004656.4(BAP1):c.719A>C (p.Lys240Thr)

Gene: BAP1 (BRCA1 associated deubiquitinase 1; minus strand). Cytogenetic location: 3p21.1.
Variant type: single nucleotide variant.
Coding change: c.719A>C on transcript NM_004656.4 (MANE Select); coding-DNA position 719, A replaced by C.
Protein change: p.Lys240Thr; replaces lysine 240 with threonine.
Molecular consequence: missense variant.
Genome position (GRCh38, 1-based): chr3:52,406,317, T>G on the plus strand (A>C on the coding strand, the complement: BAP1 is on the minus strand). VCF-style: chr3-52406317-T-G. GRCh37 (hg19) VCF-style: chr3-52440333-T-G.
Other names: c.665A>C, p.Lys222Thr (NM_001410772.1); short protein forms K222T, K240T.
Identifiers: ClinVar variation 2633992 (VCV002633992.1), dbSNP rs2153227461, ClinGen allele CA353107284.

ClinVar aggregate classification (germline): Uncertain significance (1 of 4 stars; one submission).

Conditions:
BAP1-related disorder. Also called: BAP1-related condition.

Allele frequency attached by ClinVar (database versions not stated): gnomAD exomes below 0.00001.
gnomAD v4.1: 1 of 1,614,188 alleles (0.000062%); highest among the groups gnomAD compares: African/African-American, 0.0013%; no homozygotes.

Submission:

PreventionGenetics, part of Exact Sciences
Classification: Uncertain significance for BAP1-related condition. Last evaluated: 2023-10-11. Review status: criteria provided, single submitter. Criteria: ACMG Guidelines, 2015. Collection method: clinical testing. Allele origin: germline.
Comment: The BAP1 c.719A>C variant is predicted to result in the amino acid substitution p.Lys240Thr. To our knowledge, this variant has not been reported in the literature or in a large population database, indicating this variant is rare. At this time, the clinical significance of this variant is uncertain due to the absence of conclusive functional and genetic evidence.